The following is an entry in ClinVar:

NM_022041.4(GAN):c.103G>A (p.Val35Ile)

Genes: GAN (gigaxonin; plus strand), LOC130059498 (ATAC-STARR-seq lymphoblastoid silent region 7753; plus strand). Cytogenetic location: 16q23.2.
Variant type: single nucleotide variant.
Coding change: c.103G>A on transcript NM_022041.4 (MANE Select); coding-DNA position 103, G replaced by A.
Protein change: p.Val35Ile; replaces valine 35 with isoleucine.
Molecular consequence: missense variant. On other transcripts: 5 prime UTR variant (1).
Genome position (GRCh38, 1-based): chr16:81,315,216, G>A. VCF-style: chr16-81315216-G-A. GRCh37 (hg19) VCF-style: chr16-81348821-G-A.
Other names: p.Val35Ile; c.-422G>A (NM_001377486.1); short protein forms V35I.
Identifiers: ClinVar variation 2683377 (VCV002683377.1), dbSNP rs775478057, ClinGen allele CA8191253.

ClinVar aggregate classification (germline): Uncertain significance (1 of 4 stars; one submission).

Allele frequency attached by ClinVar (database versions not stated): TOPMed below 0.00001; gnomAD 0.00001; ExAC 0.00009.
gnomAD v4.1: 17 of 1,581,510 alleles (0.0011%); highest among the groups gnomAD compares: South Asian, 0.017%; no homozygotes.

Submission:

Mayo Clinic Laboratories, Mayo Clinic
Classification: Uncertain significance. Last evaluated: 2022-06-27. Review status: criteria provided, single submitter. Criteria: ACMG Guidelines, 2015. Collection method: clinical testing. Allele origin: germline. Observed: 1 variant allele.
Comment: BP4